The following is an entry in ClinVar:

NM_004281.4(BAG3):c.180+5G>A

Gene: BAG3 (BAG cochaperone 3; plus strand). Cytogenetic location: 10q26.11.
Variant type: single nucleotide variant.
Coding change: c.180+5G>A on transcript NM_004281.4 (MANE Select); 5 bases into the intron after coding-DNA position 180, G replaced by A.
Molecular consequence: intron variant.
Genome position (GRCh38, 1-based): chr10:119,651,860, G>A. VCF-style: chr10-119651860-G-A. GRCh37 (hg19) VCF-style: chr10-121411372-G-A.
Identifiers: ClinVar variation 2453007 (VCV002453007.6), dbSNP rs1435201335, ClinGen allele CA2580082466.

ClinVar aggregate classification (germline): Uncertain significance. Review status: criteria provided, multiple submitters, no conflicts (2 of 4 stars). 2 submissions from 2 submitters: Uncertain significance (2). Last evaluated 2025-12-16.

Conditions:
Dilated cardiomyopathy 1HH (CMD1HH). Identifiers: Orphanet 154, MedGen C3151293, MONDO:0013479, OMIM 613881.
Myofibrillar myopathy 6. Identifiers: Orphanet 199340, MedGen C2751831, MONDO:0013061, OMIM 612954.
Cardiovascular phenotype. Identifiers: MedGen CN230736.

Submissions (2):

Ambry Genetics
Classification: Uncertain significance for Cardiovascular phenotype. Last evaluated: 2025-12-16. Review status: criteria provided, single submitter. Criteria: Ambry Variant Classification Scheme 2023. Collection method: clinical testing. Allele origin: germline.
Comment: The c.180+5G>A intronic variant results from a G to A substitution 5 nucleotides after coding exon 1 in the BAG3 gene. This nucleotide position is well conserved in available vertebrate species. In silico splice site analysis for this alteration is inconclusive. Since supporting evidence is limited at this time, the clinical significance of this alteration remains unclear.

Labcorp Genetics (formerly Invitae), Labcorp
Classification: Uncertain significance for Dilated cardiomyopathy 1HH; Myofibrillar myopathy 6. Last evaluated: 2024-11-06. Review status: criteria provided, single submitter. Criteria: Invitae Variant Classification Sherloc (09022015). Collection method: clinical testing. Allele origin: germline.
Comment: This sequence change falls in intron 1 of the BAG3 gene. It does not directly change the encoded amino acid sequence of the BAG3 protein. It affects a nucleotide within the consensus splice site. This variant is not present in population databases (gnomAD no frequency). This variant has not been reported in the literature in individuals affected with BAG3-related conditions. ClinVar contains an entry for this variant (Variation ID: 2453007). Variants that disrupt the consensus splice site are a relatively common cause of aberrant splicing (PMID: 17576681, 9536098). Algorithms developed to predict the effect of sequence changes on RNA splicing suggest that this variant may disrupt the consensus splice site. In summary, the available evidence is currently insufficient to determine the role of this variant in disease. Therefore, it has been classified as a Variant of Uncertain Significance.

Literature cited by the submitters: PubMed 17576681 (cited by Labcorp Genetics (formerly Invitae), Labcorp); PubMed 9536098 (cited by Labcorp Genetics (formerly Invitae), Labcorp).